The following is an entry in ClinVar:

ClinVar aggregate classification (germline): Pathogenic (1 of 4 stars; one submission).

Conditions:
Hereditary cancer-predisposing syndrome. Also called: Hereditary Cancer Syndrome; Tumor predisposition; Hereditary neoplastic syndrome; Neoplastic Syndromes, Hereditary. Identifiers: Orphanet 140162, MedGen C0027672, MeSH D009386, MONDO:0015356.

Submission:

Ambry Genetics
Classification: Pathogenic for Hereditary cancer-predisposing syndrome. Last evaluated: 2024-03-29. Review status: criteria provided, single submitter. Criteria: Ambry Variant Classification Scheme 2023. Collection method: clinical testing. Allele origin: germline.
Comment: The c.1801dupC pathogenic mutation, located in coding exon 9 of the BRCA1 gene, results from a duplication of C at nucleotide position 1801, causing a translational frameshift with a predicted alternate stop codon (p.H601Pfs*7). This variant is considered to be rare based on population cohorts in the Genome Aggregation Database (gnomAD). This alteration is expected to result in loss of function by premature protein truncation or nonsense-mediated mRNA decay. As such, this alteration is interpreted as a disease-causing mutation.

NM_007294.4(BRCA1):c.1801dup (p.His601fs)

Gene: BRCA1 (BRCA1 DNA repair associated; minus strand). Cytogenetic location: 17q21.31.
Variant type: Duplication.
Coding change: c.1801dup on transcript NM_007294.4 (MANE Select); coding-DNA position 1801, one base duplicated (C; older notation c.1801dupC).
Protein change: p.His601fs; shifts the reading frame from histidine 601.
Molecular consequence: frameshift variant. On other transcripts: intron variant (137).
Genome position (GRCh38, 1-based): chr17:43,093,730, G duplicated on the plus strand (C on the coding strand, the reverse complement: BRCA1 is on the minus strand); the first of 2 consecutive G bases (chr17:43,093,730-43,093,731); duplicating either gives the same sequence. VCF-style (leftmost placement, unchanged base first): chr17-43093729-T-TG. GRCh37 (hg19) VCF-style: chr17-41245746-T-TG.
Other names: c.1468dup, p.His490fs (NM_001407949.1, NM_001407950.1, NM_001407951.1 and 6 more transcripts); c.1465dup, p.His489fs (NM_001407956.1, NM_001407954.1, NM_001407955.1 and 1 more transcripts); c.1588dup, p.His530fs (NM_001407571.1, NM_001407853.1, NM_001407894.1 and 9 more transcripts); c.1801dup, p.His601fs (NM_001407581.1, NM_001407582.1, NM_001407583.1 and 30 more transcripts); c.1798dup, p.His600fs (NM_001407587.1, NM_001407590.1, NM_001407591.1 and 22 more transcripts); c.577+1014dup (NM_001408485.1, NM_001408483.1, NM_001408481.1 and 9 more transcripts); c.661+1014dup (NM_001408447.1, NM_001408433.1, NM_001408446.1 and 6 more transcripts); c.784+1014dup (NM_001408400.1, NM_001408392.1, NM_001407986.1 and 13 more transcripts); and 41 more; short protein forms H530fs, H531fs, H553fs, H560fs, H598fs, H433fs, H512fs, H305fs.
Identifiers: ClinVar variation 3261451 (VCV003261451.1).